The following is an entry in ClinVar:

ClinVar aggregate classification (germline): Uncertain significance (1 of 4 stars; one submission).

Conditions:
Emery-Dreifuss muscular dystrophy 5, autosomal dominant (EDMD5). Also called: EMERY-DREIFUSS MUSCULAR DYSTROPHY 5. Identifiers: Orphanet 261, MedGen C2751805, MONDO:0013072, OMIM 612999.

gnomAD v4.1: 1 of 1,613,904 alleles (0.000062%); highest among the groups gnomAD compares: Admixed American, 0.0017%; no homozygotes.

Submission:

Labcorp Genetics (formerly Invitae), Labcorp
Classification: Uncertain significance for Emery-Dreifuss muscular dystrophy 5, autosomal dominant. Last evaluated: 2024-03-05. Review status: criteria provided, single submitter. Criteria: Invitae Variant Classification Sherloc (09022015). Collection method: clinical testing. Allele origin: germline.
Comment: This sequence change replaces glutamic acid, which is acidic and polar, with glutamine, which is neutral and polar, at codon 3856 of the SYNE2 protein (p.Glu3856Gln). This variant is not present in population databases (gnomAD no frequency). This variant has not been reported in the literature in individuals affected with SYNE2-related conditions. An algorithm developed to predict the effect of missense changes on protein structure and function (PolyPhen-2) suggests that this variant is likely to be disruptive. In summary, the available evidence is currently insufficient to determine the role of this variant in disease. Therefore, it has been classified as a Variant of Uncertain Significance.

NM_182914.3(SYNE2):c.11566G>C (p.Glu3856Gln)

Gene: SYNE2 (spectrin repeat containing nuclear envelope protein 2; plus strand). Cytogenetic location: 14q23.2.
Variant type: single nucleotide variant.
Coding change: c.11566G>C on transcript NM_182914.3 (MANE Select); coding-DNA position 11566, G replaced by C.
Protein change: p.Glu3856Gln; replaces glutamic acid 3856 with glutamine.
Molecular consequence: missense variant.
Genome position (GRCh38, 1-based): chr14:64,087,752, G>C. VCF-style: chr14-64087752-G-C. GRCh37 (hg19) VCF-style: chr14-64554470-G-C.
Other names: c.11566G>C, p.Glu3856Gln (NM_015180.6); short protein forms E3856Q.
Identifiers: ClinVar variation 3605128 (VCV003605128.2).